The following is an entry in ClinVar:

ClinVar aggregate classification (germline): Pathogenic/Likely pathogenic. Review status: criteria provided, multiple submitters, no conflicts (2 of 4 stars). 3 submissions from 3 submitters: Pathogenic (1); Likely pathogenic (2). Last evaluated 2025-12-03.

Conditions:
CACNA1F-related disorder. Also called: CACNA1F-related condition.

Submissions (3):

Labcorp Genetics (formerly Invitae), Labcorp
Classification: Pathogenic. Last evaluated: 2025-12-03. Review status: criteria provided, single submitter. Criteria: Invitae Variant Classification Sherloc (09022015). Collection method: clinical testing. Allele origin: germline.
Comment: This sequence change creates a premature translational stop signal (p.Leu1681Alafs*16) in the CACNA1F gene. It is expected to result in an absent or disrupted protein product. Loss-of-function variants in CACNA1F are known to be pathogenic (PMID: 9662399, 11281458, 17525176, 22194652, 24124559, 26992781). This variant is present in population databases (no rsID available, gnomAD 0.004%). This variant has not been reported in the literature in individuals affected with CACNA1F-related conditions. For these reasons, this variant has been classified as Pathogenic.

Blueprint Genetics
Classification: Likely pathogenic for CACNA1F-related disorders. Last evaluated: 2022-11-04. Review status: criteria provided, single submitter. Criteria: ACMG Guidelines, 2015. Collection method: clinical testing. Allele origin: germline. Affected: yes. Observed: 3 variant alleles.

GeneDx
Classification: Likely pathogenic. Last evaluated: 2017-11-15. Review status: criteria provided, single submitter. Criteria: GeneDx Variant Classification (06012015). Collection method: clinical testing. Allele origin: germline. Affected: yes.
Comment: The c.5037_5038delGT variant in the CACNA1F gene has not been reported previously as a pathogenic variant nor as a benign variant, to our knowledge. The c.5037_5038delGT variant causes a frameshift starting with codon Leucine 1681, changes this amino acid to an Alanine residue, and creates a premature Stop codon at position 16 of the new reading frame, denoted p.Leu1681AlafsX16. This variant is predicted to cause loss of normal protein function either through protein truncation or nonsense-mediated mRNA decay. The c.5037_5038delGT variant is observed in 1/26573 (0.004%) alleles from individuals of Latino background, including 1 hemizygous individual in large population cohorts (Lek et al., 2016). We interpret c.5037_5038delGT as a likely pathogenic variant.

Literature cited by the submitters: PubMed 9662399 (cited by Labcorp Genetics (formerly Invitae), Labcorp); PubMed 11281458 (cited by Labcorp Genetics (formerly Invitae), Labcorp); PubMed 17525176 (cited by Labcorp Genetics (formerly Invitae), Labcorp); PubMed 22194652 (cited by Labcorp Genetics (formerly Invitae), Labcorp); PubMed 24124559 (cited by Labcorp Genetics (formerly Invitae), Labcorp); PubMed 26992781 (cited by Labcorp Genetics (formerly Invitae), Labcorp).

NM_001256789.3(CACNA1F):c.5004_5005del (p.Leu1670fs)

Gene: CACNA1F (calcium voltage-gated channel subunit alpha1 F; minus strand). Cytogenetic location: Xp11.23.
Variant type: Microsatellite.
Coding change: c.5004_5005del on transcript NM_001256789.3 (MANE Select); coding-DNA positions 5004 to 5005, 2 bases deleted (GT; older notation c.5004_5005delGT).
Protein change: p.Leu1670fs; shifts the reading frame from leucine 1670.
Molecular consequence: frameshift variant.
Genome position (GRCh38, 1-based): chrX:49,208,633-49,208,634, AC deleted on the plus strand (GT on the coding strand, the reverse complement: CACNA1F is on the minus strand); deleting any 2 consecutive bases within chrX:49,208,633-49,208,637 gives the same sequence; the c. name uses the placement nearest the transcript's 3' end. VCF-style (leftmost placement, unchanged base first): chrX-49208632-GAC-G. GRCh37 (hg19) VCF-style: chrX-49065092-GAC-G.
Other names: c.4842_4843del, p.Leu1616fs (NM_001256790.3); c.5037_5038del, p.Leu1681fs (NM_005183.4); short protein forms L1616fs, L1681fs, L1670fs.
Identifiers: ClinVar variation 503842 (VCV000503842.8), dbSNP rs1557105474, ClinGen allele CA641902987.